The following is an entry in ClinVar:

ClinVar aggregate classification (germline): Uncertain significance (1 of 4 stars; one submission).

Conditions:
Familial thoracic aortic aneurysm and aortic dissection (TAAD). Also called: Thoracic aortic aneurysms and dissections. Identifiers: Orphanet 91387, MedGen C4707243, MONDO:0019625.

Submission:

Ambry Genetics
Classification: Uncertain significance for Familial thoracic aortic aneurysm and aortic dissection. Last evaluated: 2025-05-03. Review status: criteria provided, single submitter. Criteria: Ambry Variant Classification Scheme 2023. Collection method: clinical testing. Allele origin: germline.
Comment: The p.V352L variant (also known as c.1054G>C), located in coding exon 7 of the MYLK gene, results from a G to C substitution at nucleotide position 1054. The valine at codon 352 is replaced by leucine, an amino acid with highly similar properties. This amino acid position is conserved. In addition, this alteration is predicted to be tolerated by in silico analysis. Based on the available evidence, the clinical significance of this variant remains unclear.

NM_053025.4(MYLK):c.1054G>C (p.Val352Leu)

Gene: MYLK (myosin light chain kinase; minus strand). Cytogenetic location: 3q21.1.
Variant type: single nucleotide variant.
Coding change: c.1054G>C on transcript NM_053025.4 (MANE Select); coding-DNA position 1054, G replaced by C.
Protein change: p.Val352Leu; replaces valine 352 with leucine.
Molecular consequence: missense variant.
Genome position (GRCh38, 1-based): chr3:123,733,942, C>G on the plus strand (G>C on the coding strand, the complement: MYLK is on the minus strand). VCF-style: chr3-123733942-C-G. GRCh37 (hg19) VCF-style: chr3-123452789-C-G.
Other names: c.526G>C, p.Val176Leu (NM_001321309.2); c.1054G>C, p.Val352Leu (NM_053026.4, NM_053027.4, NM_053028.4); short protein forms V176L, V352L.
Identifiers: ClinVar variation 3915768 (VCV003915768.1).